The following is an entry in ClinVar:

NM_004393.6(DAG1):c.575C>T (p.Thr192Met)

Gene: DAG1 (dystroglycan 1; plus strand). Cytogenetic location: 3p21.31.
Variant type: single nucleotide variant.
Coding change: c.575C>T on transcript NM_004393.6 (MANE Select); coding-DNA position 575, C replaced by T.
Protein change: p.Thr192Met; replaces threonine 192 with methionine.
Molecular consequence: missense variant.
Genome position (GRCh38, 1-based): chr3:49,531,086, C>T. VCF-style: chr3-49531086-C-T. GRCh37 (hg19) VCF-style: chr3-49568519-C-T.
Other names: DAG1, THR192MET (rs193922955); c.575C>T, p.Thr192Met (NM_001177641.3, NM_001177642.3, NM_001177643.3 and 9 more transcripts); short protein forms T192M.
Identifiers: ClinVar variation 31762 (VCV000031762.9), dbSNP rs193922955, ClinGen allele CA128556.

ClinVar aggregate classification (germline): Uncertain significance. Review status: criteria provided, single submitter (1 of 4 stars). 3 submissions from 3 submitters: Uncertain significance (1). 2 of the submissions do not count toward it. Last evaluated 2022-06-13.

Conditions:
Muscular dystrophy-dystroglycanopathy (congenital with brain and eye anomalies), type A9. Also called: Muscular dystrophy-dystroglycanopathy (congenital with brain and eye anomalies), type a, 9; WALKER-WARBURG SYNDROME OR MUSCLE-EYE BRAIN DISEASE, DAG1-RELATED. Identifiers: Orphanet 370997, Orphanet 899, MedGen C4225291, MONDO:0014683, OMIM 616538.
Autosomal recessive limb-girdle muscular dystrophy type 2P. Also called: Limb-Girdle Muscular Dystrophy Type 9C; MUSCULAR DYSTROPHY, LIMB-GIRDLE, TYPE 2P; MUSCULAR DYSTROPHY-DYSTROGLYCANOPATHY, LIMB-GIRDLE, DAG1-RELATED. Identifiers: Orphanet 280333, MedGen C4511963, MONDO:0013440, OMIM 613818.

Allele frequency attached by ClinVar (database versions not stated): gnomAD exomes below 0.00001.
gnomAD v4.1: 1 of 1,614,166 alleles (0.000062%); highest among the groups gnomAD compares: Non-Finnish European, 0.000085%; no homozygotes.

Submissions (3):

Labcorp Genetics (formerly Invitae), Labcorp
Classification: Uncertain significance for Autosomal recessive limb-girdle muscular dystrophy type 2P; Muscular dystrophy-dystroglycanopathy (congenital with brain and eye anomalies), type A9. Last evaluated: 2022-06-13. Review status: criteria provided, single submitter. Criteria: Invitae Variant Classification Sherloc (09022015). Collection method: clinical testing. Allele origin: germline.
Comment: ClinVar contains an entry for this variant (Variation ID: 31762). This missense change has been observed in individual(s) with muscular dystrophy-dystroglycanopathy (PMID: 21388311). This variant is not present in population databases (gnomAD no frequency). This sequence change replaces threonine, which is neutral and polar, with methionine, which is neutral and non-polar, at codon 192 of the DAG1 protein (p.Thr192Met). Algorithms developed to predict the effect of missense changes on protein structure and function are either unavailable or do not agree on the potential impact of this missense change (SIFT: "Deleterious"; PolyPhen-2: "Probably Damaging"; Align-GVGD: "Class C0"). In summary, the available evidence is currently insufficient to determine the role of this variant in disease. Therefore, it has been classified as a Variant of Uncertain Significance. Experimental studies have shown that this missense change affects DAG1 function (PMID: 21388311, 29036200, 31097590).

Leiden Muscular Dystrophy (DAG1)
No classification provided. Last evaluated: 2011-05-13. Review status: no classification provided. Collection method: curation. Allele origin: unknown. Not counted in ClinVar's aggregate classification.

OMIM
Classification: Pathogenic for MUSCULAR DYSTROPHY-DYSTROGLYCANOPATHY (LIMB-GIRDLE), TYPE C, 9. Last evaluated: 2011-03-10. Review status: no assertion criteria provided. Collection method: literature only. Allele origin: germline. Not counted in ClinVar's aggregate classification.

Literature cited by the submitters: PubMed 21388311 (cited by Labcorp Genetics (formerly Invitae), Labcorp and OMIM); PubMed 29036200 (cited by Labcorp Genetics (formerly Invitae), Labcorp); PubMed 31097590 (cited by Labcorp Genetics (formerly Invitae), Labcorp); PubMed 14678799 (cited by OMIM).